The following is an entry in ClinVar:

NM_000179.3(MSH6):c.1290G>T (p.Gly430=)

Gene: MSH6 (mutS homolog 6; plus strand). Cytogenetic location: 2p16.3.
Variant type: single nucleotide variant.
Coding change: c.1290G>T on transcript NM_000179.3 (MANE Select); coding-DNA position 1290, G replaced by T.
Protein change: p.Gly430=; no amino-acid change (glycine 430 retained).
Molecular consequence: synonymous variant. On other transcripts: non-coding transcript variant (4), intron variant (1).
Genome position (GRCh38, 1-based): chr2:47,799,273, G>T. VCF-style: chr2-47799273-G-T. GRCh37 (hg19) VCF-style: chr2-48026412-G-T.
Other names: c.900G>T, p.Gly300= (NM_001281492.2); c.384G>T, p.Gly128= (NM_001281493.2, NM_001281494.2, NM_001406811.1 and 6 more transcripts); c.1386G>T, p.Gly462= (NM_001406795.1, NM_001406802.1); c.1290G>T, p.Gly430= (NM_001406796.1, NM_001406798.1, NM_001406800.1 and 4 more transcripts); c.993G>T, p.Gly331= (NM_001406797.1, NM_001406801.1, NM_001406805.1 and 10 more transcripts); c.765G>T, p.Gly255= (NM_001406799.1, NM_001406806.1, NM_001406807.1); c.1212G>T, p.Gly404= (NM_001406804.1); c.1296G>T, p.Gly432= (NM_001406813.1); and 2 more.
Identifiers: ClinVar variation 1769099 (VCV001769099.3), dbSNP rs1558661242, ClinGen allele CA426120897.

ClinVar aggregate classification (germline): Uncertain significance (1 of 4 stars; one submission).

Conditions:
Hereditary cancer-predisposing syndrome. Also called: Tumor predisposition; Hereditary Cancer Syndrome; Hereditary neoplastic syndrome; Neoplastic Syndromes, Hereditary. Identifiers: Orphanet 140162, MedGen C0027672, MeSH D009386, MONDO:0015356.

Submission:

Ambry Genetics
Classification: Uncertain significance for Hereditary cancer-predisposing syndrome. Last evaluated: 2026-02-09. Review status: criteria provided, single submitter. Criteria: Ambry Variant Classification Scheme 2023. Collection method: clinical testing. Allele origin: germline.
Comment: The c.1290G>T variant (also known as p.G430G), located in coding exon 4 of the MSH6 gene, results from a G to T substitution at nucleotide position 1290. This nucleotide substitution does not change the glycine at codon 430. This nucleotide position is not well conserved in available vertebrate species. In silico splice site analysis predicts that this alteration may result in the creation or strengthening of a novel splice donor site. Based on the available evidence, the clinical significance of this variant remains unclear.